The following is an entry in ClinVar:

ClinVar aggregate classification (germline): Uncertain significance. Review status: criteria provided, multiple submitters, no conflicts (2 of 4 stars). 2 submissions from 2 submitters: Uncertain significance (2). Last evaluated 2026-08-20.

Conditions:
Hereditary cancer-predisposing syndrome. Also called: Hereditary Cancer Syndrome; Hereditary neoplastic syndrome; Neoplastic Syndromes, Hereditary; Tumor predisposition. Identifiers: Orphanet 140162, MedGen C0027672, MeSH D009386, MONDO:0015356.
Tuberous sclerosis 1 (TSC1). Identifiers: Orphanet 805, MedGen C1854465, MONDO:0008612, OMIM 191100.

Submissions (2):

Ambry Genetics
Classification: Uncertain significance for Hereditary cancer-predisposing syndrome. Last evaluated: 2026-08-20. Review status: criteria provided, single submitter. Criteria: Ambry Variant Classification Scheme 2023. Collection method: clinical testing. Allele origin: germline.
Comment: The p.F216L variant (also known as c.648T>G), located in coding exon 5 of the TSC1 gene, results from a T to G substitution at nucleotide position 648. The phenylalanine at codon 216 is replaced by leucine, an amino acid with highly similar properties. This amino acid position is highly conserved in available vertebrate species. In addition, this alteration is predicted to be deleterious by in silico analysis. Based on the available evidence, the clinical significance of this variant remains unclear.

Labcorp Genetics (formerly Invitae), Labcorp
Classification: Uncertain significance for Tuberous sclerosis 1. Last evaluated: 2025-12-14. Review status: criteria provided, single submitter. Criteria: Invitae Variant Classification Sherloc (09022015). Collection method: clinical testing. Allele origin: germline.
Comment: This sequence change replaces phenylalanine, which is neutral and non-polar, with leucine, which is neutral and non-polar, at codon 216 of the TSC1 protein (p.Phe216Leu). This variant is not present in population databases (gnomAD no frequency). This variant has not been reported in the literature in individuals affected with TSC1-related conditions. ClinVar contains an entry for this variant (Variation ID: 1753832). Invitae Evidence Modeling of protein sequence and biophysical properties (such as structural, functional, and spatial information, amino acid conservation, physicochemical variation, residue mobility, and thermodynamic stability) indicates that this missense variant is not expected to disrupt TSC1 protein function with a negative predictive value of 95%. This variant disrupts the p.Phe216 amino acid residue in TSC1. Other variant(s) that disrupt this residue have been determined to be pathogenic (PMID: 21309039, 22867869, 31377847). This suggests that this residue is clinically significant, and that variants that disrupt this residue are likely to be disease-causing. In summary, the available evidence is currently insufficient to determine the role of this variant in disease. Therefore, it has been classified as a Variant of Uncertain Significance.

Literature cited by the submitters: PubMed 21309039 (cited by Labcorp Genetics (formerly Invitae), Labcorp); PubMed 22867869 (cited by Labcorp Genetics (formerly Invitae), Labcorp); PubMed 31377847 (cited by Labcorp Genetics (formerly Invitae), Labcorp).

NM_000368.5(TSC1):c.648T>G (p.Phe216Leu)

Gene: TSC1 (TSC complex subunit 1; minus strand). Cytogenetic location: 9q34.13.
Variant type: single nucleotide variant.
Coding change: c.648T>G on transcript NM_000368.5 (MANE Select); coding-DNA position 648, T replaced by G.
Protein change: p.Phe216Leu; replaces phenylalanine 216 with leucine.
Molecular consequence: missense variant.
Genome position (GRCh38, 1-based): chr9:132,921,834, A>C on the plus strand (T>G on the coding strand, the complement: TSC1 is on the minus strand). VCF-style: chr9-132921834-A-C. GRCh37 (hg19) VCF-style: chr9-135797221-A-C.
Other names: c.648T>G, p.Phe216Leu (NM_001162426.2, NM_001406592.1, NM_001406593.1 and 16 more transcripts); c.495T>G, p.Phe165Leu (NM_001162427.2, NM_001406611.1, NM_001406612.1 and 2 more transcripts); c.285T>G, p.Phe95Leu (NM_001362177.2, NM_001406614.1, NM_001406615.1 and 10 more transcripts); c.-230T>G (NM_001406626.1, NM_001406627.1, NM_001406628.1); c.-372T>G (NM_001406629.1); c.-446T>G (NM_001406630.1); short protein forms F165L, F216L, F95L.
Identifiers: ClinVar variation 1753832 (VCV001753832.4), dbSNP rs1323541164, ClinGen allele CA375371683.